The following is an entry in ClinVar:

NM_012082.4(ZFPM2):c.3037G>C (p.Glu1013Gln)

Genes: ZFPM2 (zinc finger protein, FOG family member 2; plus strand), ZFPM2-AS1 (ZFPM2 antisense RNA 1; minus strand), LOC126860469 (BRD4-independent group 4 enhancer GRCh37_chr8:106814445-106815644; plus strand). Cytogenetic location: 8q23.1.
Variant type: single nucleotide variant.
Coding change: c.3037G>C on transcript NM_012082.4 (MANE Select); coding-DNA position 3037, G replaced by C.
Protein change: p.Glu1013Gln; replaces glutamic acid 1013 with glutamine.
Molecular consequence: missense variant.
Genome position (GRCh38, 1-based): chr8:105,803,119, G>C. VCF-style: chr8-105803119-G-C. GRCh37 (hg19) VCF-style: chr8-106815347-G-C.
Other names: c.2878G>C, p.Glu960Gln (NM_001362836.2); c.2641G>C, p.Glu881Gln (NM_001362837.2); short protein forms E1013Q, E881Q, E960Q.
Identifiers: ClinVar variation 2887144 (VCV002887144.3), dbSNP rs200487685, ClinGen allele CA4840009.

ClinVar aggregate classification (germline): Uncertain significance (1 of 4 stars; one submission).

Conditions:
46,XY sex reversal 9 (SRXY9). Also called: 46,XY SEX REVERSAL, ZFPM2-RELATED. Identifiers: Orphanet 251510, MedGen C4015129, MONDO:0014480, OMIM 616067.

Allele frequency attached by ClinVar (database versions not stated): ExAC 0.00002; 1000 Genomes Project 30x 0.00016; gnomAD 0.00001; TOPMed 0.00002; 1000 Genomes Project 0.00020.

Submission:

Labcorp Genetics (formerly Invitae), Labcorp
Classification: Uncertain significance for 46,XY sex reversal 9. Last evaluated: 2025-10-24. Review status: criteria provided, single submitter. Criteria: Invitae Variant Classification Sherloc (09022015). Collection method: clinical testing. Allele origin: germline.
Comment: This sequence change replaces glutamic acid, which is acidic and polar, with glutamine, which is neutral and polar, at codon 1013 of the ZFPM2 protein (p.Glu1013Gln). This variant is present in population databases (rs200487685, gnomAD 0.02%). This variant has not been reported in the literature in individuals affected with ZFPM2-related conditions. ClinVar contains an entry for this variant (Variation ID: 2887144). An algorithm developed to predict the effect of missense changes on protein structure and function (PolyPhen-2) suggests that this variant is likely to be disruptive. In summary, the available evidence is currently insufficient to determine the role of this variant in disease. Therefore, it has been classified as a Variant of Uncertain Significance.